The following is an entry in ClinVar:

ClinVar aggregate classification (germline): Conflicting classifications of pathogenicity. Review status: criteria provided, conflicting classifications (1 of 4 stars). 2 submissions from 2 submitters: Uncertain significance (1); Likely benign (1). Last evaluated 2024-11-09.

gnomAD v4.1: 29 of 1,614,090 alleles (0.0018%); highest among the groups gnomAD compares: Admixed American, 0.048%; no homozygotes.

Submissions (2):

Labcorp Genetics (formerly Invitae), Labcorp
Classification: Uncertain significance. Last evaluated: 2024-11-09. Review status: criteria provided, single submitter. Criteria: Invitae Variant Classification Sherloc (09022015). Collection method: clinical testing. Allele origin: germline.
Comment: This sequence change replaces valine, which is neutral and non-polar, with leucine, which is neutral and non-polar, at codon 120 of the ZNF408 protein (p.Val120Leu). This variant is present in population databases (rs747305214, gnomAD 0.08%). This variant has not been reported in the literature in individuals affected with ZNF408-related conditions. ClinVar contains an entry for this variant (Variation ID: 1438434). An algorithm developed to predict the effect of missense changes on protein structure and function (PolyPhen-2) suggests that this variant is likely to be tolerated. In summary, the available evidence is currently insufficient to determine the role of this variant in disease. Therefore, it has been classified as a Variant of Uncertain Significance.

Blueprint Genetics
Classification: Likely benign. Last evaluated: 2021-04-07. Review status: criteria provided, single submitter. Criteria: ACMG Guidelines, 2015. Collection method: clinical testing. Allele origin: germline.

NM_024741.3(ZNF408):c.358G>T (p.Val120Leu)

Gene: ZNF408 (zinc finger protein 408; plus strand). Cytogenetic location: 11p11.2.
Variant type: single nucleotide variant.
Coding change: c.358G>T on transcript NM_024741.3 (MANE Select); coding-DNA position 358, G replaced by T.
Protein change: p.Val120Leu; replaces valine 120 with leucine.
Molecular consequence: missense variant.
Genome position (GRCh38, 1-based): chr11:46,702,731, G>T. VCF-style: chr11-46702731-G-T. GRCh37 (hg19) VCF-style: chr11-46724281-G-T.
Other names: c.334G>T, p.Val112Leu (NM_001184751.2); short protein forms V112L, V120L.
Identifiers: ClinVar variation 1438434 (VCV001438434.8), dbSNP rs747305214, ClinGen allele CA5966320.